The following is an entry in ClinVar:

NM_017780.4(CHD7):c.7222G>T (p.Glu2408Ter)

Gene: CHD7 (chromodomain helicase DNA binding protein 7; plus strand). Cytogenetic location: 8q12.2.
Variant type: single nucleotide variant.
Coding change: c.7222G>T on transcript NM_017780.4 (MANE Select); coding-DNA position 7222, G replaced by T.
Protein change: p.Glu2408Ter; replaces glutamic acid 2408 with a stop codon.
Molecular consequence: nonsense. On other transcripts: intron variant (1).
Genome position (GRCh38, 1-based): chr8:60,856,502, G>T. VCF-style: chr8-60856502-G-T. GRCh37 (hg19) VCF-style: chr8-61769061-G-T.
Other names: c.1717-5727G>T (NM_001316690.1); short protein forms E2408*.
Identifiers: ClinVar variation 619296 (VCV000619296.4), dbSNP rs1341064149, ClinGen allele CA371300100.
Genomic context (GRCh38, chr8:60,856,502, plus strand): 5'-TAGGAAGATGCCCTCAACCTCTCTGTCCCTCGCCAGCGGAGGAGGAGGAGGAGAAAAATC[G>T]AAATTGAGGCCGAAAGAGCTGCCAAGAGGCGAAATCTCATGGAGATGGTTGCCCAGCTTC-3'

ClinVar aggregate classification (germline): Pathogenic (1 of 4 stars; one submission).

Conditions:
CHARGE syndrome (CHARGE). Also called: Coloboma, heart anomaly, choanal atresia, retardation, genital and ear anomalies; CHARGE association; Hall-Hittner syndrome; Hittner Hirsch Kreh syndrome; CHARGE ASSOCIATION--COLOBOMA, HEART ANOMALY, CHOANAL ATRESIA, RETARDATION, GENITAL AND EAR ANOMALIES. Identifiers: Orphanet 138, MedGen C0265354, MONDO:0008965.

Submission:

The Translational Medicine Center of Children Development and Disease, Fudan University
Classification: Pathogenic for CHD7-related CHARGE syndrome. Last evaluated: 2018-12-31. Review status: criteria provided, single submitter. Criteria: ACMG Guidelines, 2015. Collection method: clinical testing. Allele origin: de novo. Inheritance: Autosomal dominant inheritance. Affected: yes. Observed: 1 heterozygote.
Comment: This stop-gained (c.7222G>T) variant is de novo causing protein truncation. The phenotype of this patient match the Blake's CHARGE syndrome diagnostic criteria.